The following is an entry in ClinVar:

NM_004357.5(CD151):c.379A>C (p.Lys127Gln)

Gene: CD151 (CD151 molecule (Raph blood group); plus strand). Cytogenetic location: 11p15.5.
Variant type: single nucleotide variant.
Coding change: c.379A>C on transcript NM_004357.5 (MANE Select); coding-DNA position 379, A replaced by C.
Protein change: p.Lys127Gln; replaces lysine 127 with glutamine.
Molecular consequence: missense variant.
Genome position (GRCh38, 1-based): chr11:837,277, A>C. VCF-style: chr11-837277-A-C. GRCh37 (hg19) VCF-style: chr11-837277-A-C.
Other names: c.379A>C, p.Lys127Gln (NM_001039490.2, NM_139029.2, NM_139030.4); short protein forms K127Q.
Identifiers: ClinVar variation 1049922 (VCV001049922.10), dbSNP rs559057238, ClinGen allele CA5792179.
Genomic context (GRCh38, chr11:837,277, plus strand): 5'-CTGAGGCTGAAGTTTCCTGCACCCCAACCCCAGCTGAACACGGAGCTCAAGGAGAACCTG[A>C]AGGACACCATGACCAAGCGCTACCACCAGCCGGGCCATGAGGCTGTGACCAGCGCTGTGG-3'
Protein context (NP_004348.2, residues 117-137): QLNTELKENL[Lys127Gln]DTMTKRYHQP

ClinVar aggregate classification (germline): Conflicting classifications of pathogenicity. Review status: criteria provided, conflicting classifications (1 of 4 stars). 5 submissions from 5 submitters: Uncertain significance (1); Likely benign (2). 2 of the submissions do not count toward it. Last evaluated 2025-02-06.

Conditions:
CD151-related disorder. Also called: CD151-related condition.

Allele frequency attached by ClinVar (database versions not stated): gnomAD 0.00001 and 0.00007; TOPMed 0.00001; 1000 Genomes Project 30x 0.00016; 1000 Genomes Project 0.00020; gnomAD exomes 0.00023 and 0.00040; ExAC 0.00043.
gnomAD v4.1: 347 of 1,613,076 alleles (0.022%); highest among the groups gnomAD compares: South Asian, 0.36%; 3 homozygotes.

Submissions (5):

Labcorp Genetics (formerly Invitae), Labcorp
Classification: Likely benign. Last evaluated: 2025-02-06. Review status: criteria provided, single submitter. Criteria: Invitae Variant Classification Sherloc (09022015). Collection method: clinical testing. Allele origin: germline.

GeneDx
Classification: Likely benign. Last evaluated: 2020-09-21. Review status: criteria provided, single submitter. Criteria: GeneDx Variant Classification Process June 2021. Collection method: clinical testing. Allele origin: germline. Affected: yes.
Comment: See Variant Classification Assertion Criteria.

Breakthrough Genomics
Classification: Uncertain significance. Review status: criteria provided, single submitter. Criteria: ACMG Guidelines, 2015. Collection method: not provided. Allele origin: germline. Inheritance: Autosomal recessive inheritance. Affected: yes.

PreventionGenetics, part of Exact Sciences
Classification: Likely benign for CD151-related condition. Last evaluated: 2022-05-25. Review status: no assertion criteria provided. Collection method: clinical testing. Allele origin: germline. Not counted in ClinVar's aggregate classification.
Comment: This variant is classified as likely benign based on ACMG/AMP sequence variant interpretation guidelines (Richards et al. 2015 PMID: 25741868, with internal and published modifications).

Department of Pathology and Laboratory Medicine, Sinai Health System
Classification: Uncertain significance. Review status: no assertion criteria provided. Collection method: clinical testing. Allele origin: unknown. Affected: yes. Study: The Canadian Open Genetics Repository (COGR). Not counted in ClinVar's aggregate classification.
Comment: The CD151 p.Lys127Gln variant was not identified in the literature nor was it identified in ClinVar. The variant was identified in dbSNP (ID: rs559057238) and in control databases in 101 of 250102 chromosomes at a frequency of 0.0004038 increasing the likelihood this could be a low frequency benign variant (Genome Aggregation Database March 6, 2019, v2.1.1). The variant was observed in the following populations: South Asian in 100 of 30608 chromosomes (freq: 0.003267) and European (non-Finnish) in 1 of 112702 chromosomes (freq: 0.000009), but was not observed in the African, Latino, Ashkenazi Jewish, East Asian, European (Finnish), or Other populations. The p.Lys127 residue is conserved in mammals and computational analyses (PolyPhen-2, SIFT, AlignGVGD, BLOSUM, MutationTaster) provide inconsistent predictions regarding the impact to the protein; this information is not very predictive of pathogenicity. The variant occurs outside of the splicing consensus sequence and in silico or computational prediction software programs (SpliceSiteFinder, MaxEntScan, NNSPLICE, GeneSplicer) do not predict a difference in splicing. In summary, based on the above information the clinical significance of this variant cannot be determined with certainty at this time. This variant is classified as a variant of uncertain significance.